The following is an entry in ClinVar:

ClinVar aggregate classification (germline): Benign. Review status: criteria provided, multiple submitters, no conflicts (2 of 4 stars). 8 submissions from 8 submitters: Benign (8). Last evaluated 2026-02-01.

Conditions:
Thrombocytopenia 2 (THC2). Also called: ANKRD26-Related Thrombocytopenia. Identifiers: Orphanet 268322, MedGen C1861185, MONDO:0008555, OMIM 188000.

Allele frequency attached by ClinVar (database versions not stated): gnomAD exomes 0.00204 and 0.00433; ExAC 0.00504; 1000 Genomes Project 0.01138; 1000 Genomes Project 30x 0.01265; gnomAD 0.01738 and 0.01894; ESP Exome Variant Server 0.01754; TOPMed 0.02012.
gnomAD v4.1: 5,718 of 1,613,576 alleles (0.35%); highest among the groups gnomAD compares: African/African-American, 6.1%; 167 homozygotes.

Submissions (8):

Labcorp Genetics (formerly Invitae), Labcorp
Classification: Benign. Last evaluated: 2026-02-01. Review status: criteria provided, single submitter. Criteria: Invitae Variant Classification Sherloc (09022015). Collection method: clinical testing. Allele origin: germline.

Blueprint Genetics
Classification: Benign. Last evaluated: 2024-11-26. Review status: criteria provided, single submitter. Criteria: ACMG Guidelines, 2015. Collection method: clinical testing. Allele origin: germline.

ARUP Laboratories, Molecular Genetics and Genomics, ARUP Laboratories
Classification: Benign for Thrombocytopenia 2. Last evaluated: 2024-10-10. Review status: criteria provided, single submitter. Criteria: ARUP Molecular Germline Variant Investigation Process 2024. Collection method: clinical testing. Allele origin: germline.

Mayo Clinic Laboratories, Mayo Clinic
Classification: Benign. Last evaluated: 2023-09-24. Review status: criteria provided, single submitter. Criteria: ACMG Guidelines, 2015. Collection method: clinical testing. Allele origin: germline. Observed: 17 variant alleles.

Genome-Nilou Lab
Classification: Benign for Thrombocytopenia 2. Last evaluated: 2021-12-05. Review status: criteria provided, single submitter. Criteria: ACMG Guidelines, 2015. Collection method: clinical testing. Allele origin: germline. Affected: no.

GeneDx
Classification: Benign. Last evaluated: 2018-12-12. Review status: criteria provided, single submitter. Criteria: GeneDx Variant Classification Process June 2021. Collection method: clinical testing. Allele origin: germline. Affected: yes.

Illumina Laboratory Services, Illumina
Classification: Benign for Thrombocytopenia 2. Last evaluated: 2018-01-12. Review status: criteria provided, single submitter. Criteria: ICSL Variant Classification Criteria 13 December 2019. Collection method: clinical testing. Allele origin: germline.
Comment: This variant was observed in the ICSL laboratory as part of a predisposition screen in an ostensibly healthy population. It had not been previously curated by ICSL or reported in the Human Gene Mutation Database (HGMD: prior to June 1st, 2018), and was therefore a candidate for classification through an automated scoring system. Utilizing variant allele frequency, disease prevalence and penetrance estimates, and inheritance mode, an automated score was calculated to assess if this variant is too frequent to cause the disease. Based on the score and internal cut-off values, a variant classified as benign is not then subjected to further curation. The score for this variant resulted in a classification of benign for this disease.

Breakthrough Genomics
Classification: Benign. Review status: criteria provided, single submitter. Criteria: ACMG Guidelines, 2015. Collection method: not provided. Allele origin: germline. Inheritance: Autosomal dominant inheritance. Affected: yes.

NM_014915.3(ANKRD26):c.793G>A (p.Asp265Asn)

Gene: ANKRD26 (ankyrin repeat domain 26; minus strand). Cytogenetic location: 10p12.1.
Variant type: single nucleotide variant.
Coding change: c.793G>A on transcript NM_014915.3 (MANE Select); coding-DNA position 793, G replaced by A.
Protein change: p.Asp265Asn; replaces aspartic acid 265 with asparagine.
Molecular consequence: missense variant.
Genome position (GRCh38, 1-based): chr10:27,079,109, C>T on the plus strand (G>A on the coding strand, the complement: ANKRD26 is on the minus strand). VCF-style: chr10-27079109-C-T. GRCh37 (hg19) VCF-style: chr10-27368038-C-T.
Other names: p.Asp265Asn; c.793G>A, p.Asp265Asn (NM_001256053.2); short protein forms D265N.
Identifiers: ClinVar variation 299756 (VCV000299756.21), dbSNP rs61730101, ClinGen allele CA5448788.